The following is an entry in ClinVar:

ClinVar aggregate classification (germline): Uncertain significance (1 of 4 stars; one submission).

Submission:

GeneDx
Classification: Uncertain significance. Last evaluated: 2024-07-02. Review status: criteria provided, single submitter. Criteria: GeneDx Variant Classification Process June 2021. Collection method: clinical testing. Allele origin: germline. Affected: yes.
Comment: Not observed at significant frequency in large population cohorts (gnomAD); In silico analysis indicates that this missense variant does not alter protein structure/function; Has not been previously published as pathogenic or benign to our knowledge

NM_031407.7(HUWE1):c.6719C>T (p.Ala2240Val)

Gene: HUWE1 (HECT, UBA and WWE domain containing E3 ubiquitin protein ligase 1; minus strand). Cytogenetic location: Xp11.22.
Variant type: single nucleotide variant.
Coding change: c.6719C>T on transcript NM_031407.7 (MANE Select); coding-DNA position 6719, C replaced by T.
Protein change: p.Ala2240Val; replaces alanine 2240 with valine.
Molecular consequence: missense variant.
Genome position (GRCh38, 1-based): chrX:53,565,228, G>A on the plus strand (C>T on the coding strand, the complement: HUWE1 is on the minus strand). VCF-style: chrX-53565228-G-A. GRCh37 (hg19) VCF-style: chrX-53592189-G-A.
Other names: short protein forms A2240V.
Identifiers: ClinVar variation 3393693 (VCV003393693.1).